The following is an entry in ClinVar:

ClinVar aggregate classification (germline): Likely pathogenic (1 of 4 stars; one submission).

Submission:

GeneDx
Classification: Likely pathogenic. Last evaluated: 2025-06-09. Review status: criteria provided, single submitter. Criteria: GeneDx Variant Classification Process June 2021. Collection method: clinical testing. Allele origin: germline. Affected: yes.
Comment: Identified in a patient with features consistent with an USH2A-related disorder and seen with a second variant (phase unknown) classified as likely benign in published literature (PMID: 29899460); Frameshift variant predicted to result in protein truncation or nonsense mediated decay in a gene for which loss of function is a known mechanism of disease; Not observed at significant frequency in large population cohorts (gnomAD); This variant is associated with the following publications: (PMID: 29899460)

NM_206933.4(USH2A):c.5031_5047del (p.His1677fs)

Genes: USH2A (usherin; minus strand), USH2A-AS2 (USH2A antisense RNA 2; plus strand). Cytogenetic location: 1q41.
Variant type: Deletion.
Coding change: c.5031_5047del on transcript NM_206933.4 (MANE Select); coding-DNA positions 5031 to 5047, 17 bases deleted (TTTTATGAAGAATTACA).
Protein change: p.His1677fs; shifts the reading frame from histidine 1677.
Molecular consequence: frameshift variant.
Genome position (GRCh38, 1-based): chr1:216,084,818-216,084,834, TGTAATTCTTCATAAAA deleted on the plus strand (TTTTATGAAGAATTACA on the coding strand, the reverse complement: USH2A is on the minus strand); deleting any 17 consecutive bases within chr1:216,084,818-216,084,838 gives the same sequence; the c. name uses the placement nearest the transcript's 3' end. VCF-style (leftmost placement, unchanged base first): chr1-216084817-TTGTAATTCTTCATAAAA-T. GRCh37 (hg19) VCF-style: chr1-216258159-TTGTAATTCTTCATAAAA-T.
Other names: short protein forms H1677fs.
Identifiers: ClinVar variation 4537849 (VCV004537849.1).
Genomic context (GRCh38, chr1:216,084,817, plus strand): 5'-TACACGTTGATTTGTTCTTCAGAACTCTGCCAATCCAGAGGTTCCCAAATAGCTGACGGA[TTGTAATTCTTCATAAAA>T]TGTACATCCTTGAGACAGCCCACAAAACCTTTTTGGATTATCTCTGCAGGAGTTTATAGA-3'